The following is an entry in ClinVar:

ClinVar aggregate classification (germline): Uncertain significance (1 of 4 stars; one submission).

Allele frequency attached by ClinVar (database versions not stated): TOPMed below 0.00001.
gnomAD v4.1: 3 of 1,596,858 alleles (0.00019%); highest among the groups gnomAD compares: Admixed American, 0.0018%; no homozygotes.

Submission:

Labcorp Genetics (formerly Invitae), Labcorp
Classification: Uncertain significance. Last evaluated: 2022-05-14. Review status: criteria provided, single submitter. Criteria: Invitae Variant Classification Sherloc (09022015). Collection method: clinical testing. Allele origin: germline.
Comment: In summary, the available evidence is currently insufficient to determine the role of this variant in disease. Therefore, it has been classified as a Variant of Uncertain Significance. Algorithms developed to predict the effect of missense changes on protein structure and function (SIFT, PolyPhen-2, Align-GVGD) all suggest that this variant is likely to be tolerated. This variant has not been reported in the literature in individuals affected with DONSON-related conditions. The frequency data for this variant in the population databases is considered unreliable, as metrics indicate poor data quality at this position in the gnomAD database. This sequence change replaces leucine, which is neutral and non-polar, with valine, which is neutral and non-polar, at codon 118 of the DONSON protein (p.Leu118Val).

NM_017613.4(DONSON):c.352C>G (p.Leu118Val)

Gene: DONSON (DNA replication fork stabilization factor DONSON; minus strand). Cytogenetic location: 21q22.11.
Variant type: single nucleotide variant.
Coding change: c.352C>G on transcript NM_017613.4 (MANE Select); coding-DNA position 352, C replaced by G.
Protein change: p.Leu118Val; replaces leucine 118 with valine.
Molecular consequence: missense variant.
Genome position (GRCh38, 1-based): chr21:33,587,572, G>C on the plus strand (C>G on the coding strand, the complement: DONSON is on the minus strand). VCF-style: chr21-33587572-G-C. GRCh37 (hg19) VCF-style: chr21-34959878-G-C.
Other names: short protein forms L118V.
Identifiers: ClinVar variation 2414463 (VCV002414463.6), dbSNP rs1393861776, ClinGen allele CA410143259.